The following is an entry in ClinVar:

NM_001267550.2(TTN):c.90536G>C (p.Arg30179Pro)

Genes: TTN (titin; minus strand), TTN-AS1 (TTN antisense RNA 1; plus strand). Cytogenetic location: 2q31.2.
Variant type: single nucleotide variant.
Coding change: c.90536G>C on transcript NM_001267550.2 (MANE Select); coding-DNA position 90536, G replaced by C.
Protein change: p.Arg30179Pro; replaces arginine 30179 with proline.
Molecular consequence: missense variant.
Genome position (GRCh38, 1-based): chr2:178,552,364, C>G on the plus strand (G>C on the coding strand, the complement: TTN is on the minus strand). VCF-style: chr2-178552364-C-G. GRCh37 (hg19) VCF-style: chr2-179417091-C-G.
Other names: c.85613G>C, p.Arg28538Pro (NM_001256850.1); c.63341G>C, p.Arg21114Pro (NM_003319.4); c.82832G>C, p.Arg27611Pro (NM_133378.4); c.63716G>C, p.Arg21239Pro (NM_133432.3); c.63917G>C, p.Arg21306Pro (NM_133437.4); short protein forms R21239P, R28538P, R27611P, R21114P, R21306P, R30179P.
Identifiers: ClinVar variation 668536 (VCV000668536.1), dbSNP rs149567378, ClinGen allele CA60977714.

ClinVar aggregate classification (germline): Likely benign (1 of 4 stars; one submission).

Allele frequency attached by ClinVar (database versions not stated): TOPMed 0.00001.
gnomAD v4.1: 2 of 1,592,802 alleles (0.00013%); highest among the groups gnomAD compares: Admixed American, 0.0017%; no homozygotes.

Submission:

GeneDx
Classification: Likely benign. Last evaluated: 2018-05-14. Review status: criteria provided, single submitter. Criteria: GeneDx Variant Classification (06012015). Collection method: clinical testing. Allele origin: germline. Affected: yes.
Comment: This variant is considered likely benign or benign based on one or more of the following criteria: it is a conservative change, it occurs at a poorly conserved position in the protein, it is predicted to be benign by multiple in silico algorithms, and/or has population frequency not consistent with disease.